The following is an entry in ClinVar:

NM_001844.5(COL2A1):c.2751del (p.Gly918fs)

Gene: COL2A1 (collagen type II alpha 1 chain; minus strand). Cytogenetic location: 12q13.11.
Variant type: Deletion.
Coding change: c.2751del on transcript NM_001844.5 (MANE Select); coding-DNA position 2751, one base deleted (T; older notation c.2751delT).
Protein change: p.Gly918fs; shifts the reading frame from glycine 918.
Molecular consequence: frameshift variant.
Genome position (GRCh38, 1-based): chr12:47,978,741, A deleted on the plus strand (T on the coding strand, the reverse complement: COL2A1 is on the minus strand). VCF-style (leftmost placement, unchanged base first): chr12-47978740-CA-C. GRCh37 (hg19) VCF-style: chr12-48372523-CA-C.
Other names: c.2544del, p.Gly849fs (NM_033150.3); short protein forms G849fs, G918fs.
Identifiers: ClinVar variation 17358 (VCV000017358.9), dbSNP rs2136528572, ClinGen allele CA2580085540.
Genomic context (GRCh38, chr12:47,978,740, plus strand): 5'-GGGGGCCGCTGTCTCCTCGAGCACCTTTGGGACCATCTTTTCCAGAAGGACCAGGGGGAC[CA>C]GGGGGTCCAGGGTTGCCCTAGAAGGAGAAAATGCGGGAAGTGAGGACTCATCTCACCCTT-3'

ClinVar aggregate classification (germline): Pathogenic. Review status: criteria provided, multiple submitters, no conflicts (2 of 4 stars). 4 submissions from 4 submitters: Pathogenic (3). 1 of the submissions does not count toward it. Last evaluated 2024-03-12.

Conditions:
Stickler syndrome type 1 (STL1). Also called: ARTHROOPHTHALMOPATHY, HEREDITARY PROGRESSIVE; STICKLER SYNDROME, MEMBRANOUS VITREOUS TYPE; STICKLER SYNDROME, VITREOUS TYPE 1; COL2A1-Related Stickler Syndrome. Identifiers: Orphanet 828, Orphanet 90653, MedGen C2020284, MONDO:0007160, OMIM 108300.

Submissions (4):

3billion
Classification: Pathogenic for Stickler syndrome type 1. Last evaluated: 2024-03-12. Review status: criteria provided, single submitter. Criteria: ACMG Guidelines, 2015. Collection method: clinical testing. Allele origin: germline. Affected: yes.
Comment: The variant is not observed in the gnomAD v2.1.1 dataset. Predicted Consequence/Location: Frameshift: predicted to result in a loss or disruption of normal protein function through nonsense-mediated decay (NMD) or protein truncation. Multiple pathogenic variants are reported downstream of the variant. The variant has been reported at least twice as pathogenic with clinical assertions and evidence for the classification (ClinVar ID: VCV000017358 /PMID: 1444917). Therefore, this variant is classified as Pathogenic according to the recommendation of ACMG/AMP guideline.

Labcorp Genetics (formerly Invitae), Labcorp
Classification: Pathogenic. Last evaluated: 2023-04-03. Review status: criteria provided, single submitter. Criteria: Invitae Variant Classification Sherloc (09022015). Collection method: clinical testing. Allele origin: germline.
Comment: ClinVar contains an entry for this variant (Variation ID: 17358). This premature translational stop signal has been observed in individual(s) with Stickler syndrome (PMID: 1444917). It has also been observed to segregate with disease in related individuals. This variant is not present in population databases (gnomAD no frequency). This sequence change creates a premature translational stop signal (p.Gly918Valfs*110) in the COL2A1 gene. It is expected to result in an absent or disrupted protein product. Loss-of-function variants in COL2A1 are known to be pathogenic (PMID: 20179744). For these reasons, this variant has been classified as Pathogenic.

Revvity Omics, Revvity
Classification: Pathogenic. Last evaluated: 2022-09-02. Review status: criteria provided, single submitter. Criteria: ACMG Guidelines, 2015. Collection method: clinical testing. Allele origin: germline.

OMIM
Classification: Pathogenic for STICKLER SYNDROME, TYPE I. Last evaluated: 1992-11-01. Review status: no assertion criteria provided. Collection method: literature only. Allele origin: germline. Not counted in ClinVar's aggregate classification.

Literature cited by the submitters: PubMed 1444917 (cited by 3 submitters); PubMed 20179744 (cited by Labcorp Genetics (formerly Invitae), Labcorp).